The following is an entry in ClinVar:

NM_002878.4(RAD51D):c.263+1557A>C

Genes: RAD51D (RAD51 paralog D; minus strand), RAD51L3-RFFL (RAD51L3-RFFL readthrough; minus strand). Cytogenetic location: 17q12.
Variant type: single nucleotide variant.
Coding change: c.263+1557A>C on transcript NM_002878.4 (MANE Select); 1557 bases into the intron after coding-DNA position 263, A replaced by C.
Molecular consequence: intron variant. On other transcripts: missense variant (1).
Genome position (GRCh38, 1-based): chr17:35,116,944, T>G on the plus strand (A>C on the coding strand, the complement: RAD51D is on the minus strand). VCF-style: chr17-35116944-T-G. GRCh37 (hg19) VCF-style: chr17-33443963-T-G.
Other names: c.238A>C, p.Lys80Gln (NM_001142571.2); c.144+2167A>C (NM_133629.3); short protein forms K80Q.
Identifiers: ClinVar variation 5027824 (VCV005027824.1).

ClinVar aggregate classification (germline): Uncertain significance (1 of 4 stars; one submission).

Conditions:
Hereditary cancer-predisposing syndrome. Also called: Neoplastic Syndromes, Hereditary; Tumor predisposition; Hereditary neoplastic syndrome; Hereditary Cancer Syndrome. Identifiers: Orphanet 140162, MedGen C0027672, MeSH D009386, MONDO:0015356.

gnomAD v4.1: 22 of 1,613,482 alleles (0.0014%); highest among the groups gnomAD compares: Non-Finnish European, 0.0019%; no homozygotes.

Submission:

Ambry Genetics
Classification: Uncertain significance for Hereditary cancer-predisposing syndrome. Last evaluated: 2026-07-06. Review status: criteria provided, single submitter. Criteria: Ambry Variant Classification Scheme 2023. Collection method: clinical testing. Allele origin: germline.
Comment: The p.K80Q variant (also known as c.238A>C), located in coding exon 3 of the RAD51D gene, results from an A to C substitution at nucleotide position 238. The lysine at codon 80 is replaced by glutamine, an amino acid with similar properties. This amino acid position is conserved. In addition, this alteration is predicted to be tolerated by in silico analysis. Based on the available evidence, the clinical significance of this variant remains unclear.